The following is an entry in ClinVar:

NM_182641.4(BPTF):c.989del (p.Leu330fs)

Gene: BPTF (bromodomain PHD finger transcription factor; plus strand). Cytogenetic location: 17q24.2.
Variant type: Deletion.
Coding change: c.989del on transcript NM_182641.4 (MANE Select); coding-DNA position 989, one base deleted (T; older notation c.989delT).
Protein change: p.Leu330fs; shifts the reading frame from leucine 330.
Molecular consequence: frameshift variant.
Genome position (GRCh38, 1-based): chr17:67,854,315, T deleted. VCF-style (leftmost placement, unchanged base first): chr17-67854314-CT-C. GRCh37 (hg19) VCF-style: chr17-65850430-CT-C.
Other names: c.989del, p.Leu330fs (NM_004459.7); short protein forms L330fs.
Identifiers: ClinVar variation 431072 (VCV000431072.3), dbSNP rs1135401778, ClinGen allele CA645373130.
Genomic context (GRCh38, chr17:67,854,314, plus strand): 5'-CTGAAAGATAGCGTTAATTCCACACTGTATTTCATAGATGGGATGACGTGGCCAGAGGTG[CT>C]GCGGGTGTACTGTGAGAGTGATAAGGAGTACCATCACGTTCTTCCTTACCAAGAGGCAGA-3'

ClinVar aggregate classification (germline): Pathogenic. Review status: criteria provided, single submitter (1 of 4 stars). 3 submissions from 3 submitters: Pathogenic (1). 2 of the submissions do not count toward it. Last evaluated 2017-08-01.

Conditions:
Neurodevelopmental disorder with dysmorphic facies and distal limb anomalies. Identifiers: Orphanet 686482, MedGen C4540327, MONDO:0060596, OMIM 617755.
Secondary microcephaly. Also called: Postnatal microcephaly. Identifiers: MedGen C0431352, HP:0005484.
Expressive language delay. Identifiers: MedGen C0454641, HP:0002474.
Global developmental delay (DD). Also called: Cognitive delay. Identifiers: MedGen C0557874, HP:0001263. Disease mechanism: loss of function.
Intellectual disability. Also called: Intellectual developmental disorder; Intellectual functioning disability; intellectual disabilities. Identifiers: MedGen C3714756, MeSH D008607, MONDO:0001071, HP:0001249.

Submissions (3):

Institute of Human Genetics, FAU Erlangen, Friedrich-Alexander-Universität Erlangen-Nürnberg
Classification: Pathogenic for Intellectual disability. Last evaluated: 2017-08-01. Review status: criteria provided, single submitter. Criteria: ACMG Guidelines, 2015. Collection method: clinical testing. Allele origin: de novo. Inheritance: Sporadic. Affected: yes. Observed: 1 variant allele, 1 heterozygote.

OMIM
Classification: Pathogenic for NEURODEVELOPMENTAL DISORDER WITH DYSMORPHIC FACIES AND DISTAL LIMB ANOMALIES. Last evaluated: 2017-11-07. Review status: no assertion criteria provided. Collection method: literature only. Allele origin: germline. Not counted in ClinVar's aggregate classification.

Baylor Genetics
Classification: Pathogenic for Secondary microcephaly; Expressive language delay; Global developmental delay. Last evaluated: 2017-07-03. Review status: no assertion criteria provided. Collection method: research. Allele origin: de novo. Inheritance: Autosomal dominant inheritance. Affected: yes. Study: BPTF_variants. Not counted in ClinVar's aggregate classification.

Literature cited by the submitters: PubMed 28942966 (cited by OMIM and Baylor Genetics).